The following is an entry in ClinVar:

ClinVar aggregate classification (germline): Uncertain significance (1 of 4 stars; one submission).

Submission:

Labcorp Genetics (formerly Invitae), Labcorp
Classification: Uncertain significance. Last evaluated: 2022-04-20. Review status: criteria provided, single submitter. Criteria: Invitae Variant Classification Sherloc (09022015). Collection method: clinical testing. Allele origin: germline.
Comment: This variant, c.1547_1549del, results in the deletion of 1 amino acid(s) of the SRP72 protein (p.Val516del), but otherwise preserves the integrity of the reading frame. This variant is present in population databases (rs749383070, gnomAD 0.002%). This variant has not been reported in the literature in individuals affected with SRP72-related conditions. Algorithms developed to predict the effect of sequence changes on RNA splicing suggest that this variant may create or strengthen a splice site. In summary, the available evidence is currently insufficient to determine the role of this variant in disease. Therefore, it has been classified as a Variant of Uncertain Significance.

NM_006947.4(SRP72):c.1547_1549del (p.Val516del)

Gene: SRP72 (signal recognition particle 72; plus strand). Cytogenetic location: 4q12.
Variant type: Deletion.
Coding change: c.1547_1549del on transcript NM_006947.4 (MANE Select); coding-DNA positions 1547 to 1549, 3 bases deleted (TAG; older notation c.1547_1549delTAG).
Protein change: p.Val516del; deletes valine 516.
Molecular consequence: inframe deletion. On other transcripts: non-coding transcript variant (1).
Genome position (GRCh38, 1-based): chr4:56,491,475-56,491,477, TAG deleted; deleting any 3 consecutive bases within chr4:56,491,473-56,491,477 gives the same sequence; the c. name uses the placement nearest the transcript's 3' end. VCF-style (leftmost placement, unchanged base first): chr4-56491472-AAGT-A. GRCh37 (hg19) VCF-style: chr4-57357638-AAGT-A.
Other names: c.1364_1366del, p.Val455del (NM_001267722.2); short protein forms V455del, V516del.
Identifiers: ClinVar variation 2128450 (VCV002128450.4), dbSNP rs749383070, ClinGen allele CA2931402.